The following is an entry in ClinVar:

ClinVar aggregate classification (germline): Conflicting classifications of pathogenicity. Review status: criteria provided, conflicting classifications (1 of 4 stars). 2 submissions from 2 submitters: Uncertain significance (1); Likely benign (1). Last evaluated 2025-01-01.

Conditions:
Inborn genetic diseases. Identifiers: MedGen C0950123, MeSH D030342.

Allele frequency attached by ClinVar (database versions not stated): ExAC 0.00015; ESP Exome Variant Server 0.00015; gnomAD 0.00019; TOPMed 0.00020; gnomAD exomes 0.00041.
gnomAD v4.1: 619 of 1,613,834 alleles (0.038%); highest among the groups gnomAD compares: Non-Finnish European, 0.051%; no homozygotes.

Submissions (2):

CeGaT Center for Human Genetics Tuebingen
Classification: Likely benign. Last evaluated: 2025-01-01. Review status: criteria provided, single submitter. Criteria: CeGaT Center For Human Genetics Tuebingen Variant Classification Criteria Version 2. Collection method: clinical testing. Allele origin: germline. Affected: yes. Observed: 1 variant allele.
Comment: JARID2: PP2, BS1

Ambry Genetics
Classification: Uncertain significance for Inborn genetic diseases. Last evaluated: 2021-07-13. Review status: criteria provided, single submitter. Criteria: Ambry Variant Classification Scheme 2023. Collection method: clinical testing. Allele origin: germline.

NM_004973.4(JARID2):c.3152A>G (p.His1051Arg)

Gene: JARID2 (jumonji and AT-rich interaction domain containing 2; plus strand). Cytogenetic location: 6p22.3.
Variant type: single nucleotide variant.
Coding change: c.3152A>G on transcript NM_004973.4 (MANE Select); coding-DNA position 3152, A replaced by G.
Protein change: p.His1051Arg; replaces histidine 1051 with arginine.
Molecular consequence: missense variant.
Genome position (GRCh38, 1-based): chr6:15,512,931, A>G. VCF-style: chr6-15512931-A-G. GRCh37 (hg19) VCF-style: chr6-15513162-A-G.
Other names: c.2636A>G, p.His879Arg (NM_001267040.1); short protein forms H1051R, H879R.
Identifiers: ClinVar variation 2268441 (VCV002268441.15), dbSNP rs148235578, ClinGen allele CA3643380.